The following is an entry in ClinVar:

NM_006765.4(TUSC3):c.717C>T (p.Val239=)

Gene: TUSC3 (tumor suppressor candidate 3; plus strand). Cytogenetic location: 8p22.
Variant type: single nucleotide variant.
Coding change: c.717C>T on transcript NM_006765.4 (MANE Select); coding-DNA position 717, C replaced by T.
Protein change: p.Val239=; no amino-acid change (valine 239 retained).
Molecular consequence: synonymous variant. On other transcripts: non-coding transcript variant (5).
Genome position (GRCh38, 1-based): chr8:15,673,755, C>T. VCF-style: chr8-15673755-C-T. GRCh37 (hg19) VCF-style: chr8-15531264-C-T.
Other names: c.330C>T, p.Val110= (NM_001413678.1); c.717C>T, p.Val239= (NM_001413679.1, NM_001413680.1, NM_001413681.1 and 16 more transcripts); c.711C>T, p.Val237= (NM_001413690.1); c.549C>T, p.Val183= (NM_001413669.1, NM_001413671.1, NM_001413672.1); c.657C>T, p.Val219= (NM_001413670.1); c.285C>T, p.Val95= (NM_001413677.1).
Identifiers: ClinVar variation 2658441 (VCV002658441.24), dbSNP rs759321925, ClinGen allele CA4640543.

ClinVar aggregate classification (germline): Likely benign (1 of 4 stars; one submission).

gnomAD v4.1: 10 of 1,612,384 alleles (0.00062%); highest among the groups gnomAD compares: Non-Finnish European, 0.00085%; no homozygotes.

Submission:

CeGaT Center for Human Genetics Tuebingen
Classification: Likely benign. Last evaluated: 2022-06-01. Review status: criteria provided, single submitter. Criteria: CeGaT Center For Human Genetics Tuebingen Variant Classification Criteria Version 2. Collection method: clinical testing. Allele origin: germline. Affected: yes. Observed: 1 variant allele.
Comment: TUSC3: BP4, BP7